The following is an entry in ClinVar:

ClinVar aggregate classification (germline): Uncertain significance (1 of 4 stars; one submission).

Allele frequency attached by ClinVar (database versions not stated): ExAC 0.00001; gnomAD 0.00001; 1000 Genomes Project 30x 0.00016; 1000 Genomes Project 0.00020.
gnomAD v4.1: 1 of 1,613,848 alleles (0.000062%); highest among the groups gnomAD compares: African/African-American, 0.0013%; no homozygotes.

Submission:

Ambry Genetics
Classification: Uncertain significance. Last evaluated: 2023-11-10. Review status: criteria provided, single submitter. Criteria: Ambry Variant Classification Scheme 2023. Collection method: clinical testing. Allele origin: germline.
Comment: The p.K1207N variant (also known as c.3621G>C), located in coding exon 5 of the MLH3 gene, results from a G to C substitution at nucleotide position 3621. The lysine at codon 1207 is replaced by asparagine, an amino acid with similar properties. This amino acid position is conserved. In addition, this alteration is predicted to be tolerated by in silico analysis. Since supporting evidence is limited at this time, the clinical significance of this alteration remains unclear.

NM_001040108.2(MLH3):c.3621G>C (p.Lys1207Asn)

Gene: MLH3 (mutL homolog 3; minus strand). Cytogenetic location: 14q24.3.
Variant type: single nucleotide variant.
Coding change: c.3621G>C on transcript NM_001040108.2 (MANE Select); coding-DNA position 3621, G replaced by C.
Protein change: p.Lys1207Asn; replaces lysine 1207 with asparagine.
Molecular consequence: missense variant.
Genome position (GRCh38, 1-based): chr14:75,038,362, C>G on the plus strand (G>C on the coding strand, the complement: MLH3 is on the minus strand). VCF-style: chr14-75038362-C-G. GRCh37 (hg19) VCF-style: chr14-75505065-C-G.
Other names: c.3621G>C, p.Lys1207Asn (NM_014381.3); short protein forms K1207N.
Identifiers: ClinVar variation 3232550 (VCV003232550.1), dbSNP rs534270968, ClinGen allele CA7275404.
Genomic context (GRCh38, chr14:75,038,362, plus strand): 5'-CCAGCTGGTTAATCATTCAGGCTAAACTCCATTCTTACCTGCCTCGCCATTCTCTTCAGT[C>G]TTAGTGCTCATCAAACAGGCAATAAACTTGTTATCTACTTGCTGGAGAACCTGTCAGACA-3'
Protein context (NP_001035197.1, residues 1197-1217): NKFIACLMST[Lys1207Asn]TEENGEAGGN